The following is an entry in ClinVar:

ClinVar aggregate classification (germline): Uncertain significance. Review status: criteria provided, multiple submitters, no conflicts (2 of 4 stars). 2 submissions from 2 submitters: Uncertain significance (2). Last evaluated 2025-04-24.

Conditions:
Autosomal dominant spastic paraplegia type 9. Identifiers: MedGen C1832669, MONDO:0015091.
Cutis laxa, autosomal dominant 3 (ADCL3). Identifiers: Orphanet 90348, MedGen C4225268, MONDO:0014706, OMIM 616603.
de Barsy syndrome. Also called: Cutis laxa-corneal clouding-oligophrenia syndrome. Identifiers: Orphanet 2962, MedGen C0268354, MONDO:0017569.

Allele frequency attached by ClinVar (database versions not stated): TOPMed below 0.00001; gnomAD 0.00001.
gnomAD v4.1: 7 of 1,614,076 alleles (0.00043%); highest among the groups gnomAD compares: East Asian, 0.0022%; no homozygotes.

Submissions (2):

GeneDx
Classification: Uncertain significance. Last evaluated: 2025-04-24. Review status: criteria provided, single submitter. Criteria: GeneDx Variant Classification Process June 2021. Collection method: clinical testing. Allele origin: germline. Affected: yes.
Comment: In silico analysis indicates that this missense variant does not alter protein structure/function; This variant is associated with the following publications: (PMID: 32342562)

Labcorp Genetics (formerly Invitae), Labcorp
Classification: Uncertain significance for Autosomal dominant spastic paraplegia type 9; de Barsy syndrome; Cutis laxa, autosomal dominant 3. Last evaluated: 2022-10-02. Review status: criteria provided, single submitter. Criteria: Invitae Variant Classification Sherloc (09022015). Collection method: clinical testing. Allele origin: germline.
Comment: In summary, the available evidence is currently insufficient to determine the role of this variant in disease. Therefore, it has been classified as a Variant of Uncertain Significance. Algorithms developed to predict the effect of missense changes on protein structure and function are either unavailable or do not agree on the potential impact of this missense change (SIFT: "Deleterious"; PolyPhen-2: "Benign"; Align-GVGD: "Class C0"). This missense change has been observed in individual(s) with pyrroline-5-carboxylate synthetase (P5CS) deficiency (PMID: 32342562). In at least one individual the data is consistent with being in trans (on the opposite chromosome) from a pathogenic variant. This variant is present in population databases (no rsID available, gnomAD 0.006%). This sequence change replaces proline, which is neutral and non-polar, with leucine, which is neutral and non-polar, at codon 47 of the ALDH18A1 protein (p.Pro47Leu).

Literature cited by the submitters: PubMed 32342562 (cited by Labcorp Genetics (formerly Invitae), Labcorp).

NM_002860.4(ALDH18A1):c.140C>T (p.Pro47Leu)

Gene: ALDH18A1 (aldehyde dehydrogenase 18 family member A1; minus strand). Cytogenetic location: 10q24.1.
Variant type: single nucleotide variant.
Coding change: c.140C>T on transcript NM_002860.4 (MANE Select); coding-DNA position 140, C replaced by T.
Protein change: p.Pro47Leu; replaces proline 47 with leucine.
Molecular consequence: missense variant. On other transcripts: intron variant (4).
Genome position (GRCh38, 1-based): chr10:95,643,155, G>A on the plus strand (C>T on the coding strand, the complement: ALDH18A1 is on the minus strand). VCF-style: chr10-95643155-G-A. GRCh37 (hg19) VCF-style: chr10-97402912-G-A.
Other names: c.140C>T, p.Pro47Leu (NM_001017423.2, NM_001323413.2, NM_001323414.2 and 2 more transcripts); c.-78-9506C>T (NM_001323419.2); c.-30-5719C>T (NM_001323412.2, NM_001323418.2, NM_001323416.2); c.140C>T (NM_002860.3); short protein forms P47L.
Identifiers: ClinVar variation 1983544 (VCV001983544.5), dbSNP rs1258297586, ClinGen allele CA377708228.